The following is an entry in ClinVar:

ClinVar aggregate classification (germline): Uncertain significance (1 of 4 stars; one submission).

Conditions:
Hereditary nonpolyposis colorectal neoplasms. Identifiers: MedGen C0009405, MeSH D003123.

Submission:

Labcorp Genetics (formerly Invitae), Labcorp
Classification: Uncertain significance for Hereditary nonpolyposis colorectal neoplasms. Last evaluated: 2024-11-20. Review status: criteria provided, single submitter. Criteria: Invitae Variant Classification Sherloc (09022015). Collection method: clinical testing. Allele origin: germline.
Comment: This sequence change replaces glycine, which is neutral and non-polar, with arginine, which is basic and polar, at codon 756 of the MSH6 protein (p.Gly756Arg). This variant is not present in population databases (gnomAD no frequency). This variant has not been reported in the literature in individuals affected with MSH6-related conditions. Invitae Evidence Modeling of protein sequence and biophysical properties (such as structural, functional, and spatial information, amino acid conservation, physicochemical variation, residue mobility, and thermodynamic stability) has been performed for this missense variant. However, the output from this modeling did not meet the statistical confidence thresholds required to predict the impact of this variant on MSH6 protein function. In summary, the available evidence is currently insufficient to determine the role of this variant in disease. Therefore, it has been classified as a Variant of Uncertain Significance.

NM_000179.3(MSH6):c.2266G>A (p.Gly756Arg)

Gene: MSH6 (mutS homolog 6; plus strand). Cytogenetic location: 2p16.3.
Variant type: single nucleotide variant.
Coding change: c.2266G>A on transcript NM_000179.3 (MANE Select); coding-DNA position 2266, G replaced by A.
Protein change: p.Gly756Arg; replaces glycine 756 with arginine.
Molecular consequence: missense variant. On other transcripts: non-coding transcript variant (5), intron variant (2).
Genome position (GRCh38, 1-based): chr2:47,800,249, G>A. VCF-style: chr2-47800249-G-A. GRCh37 (hg19) VCF-style: chr2-48027388-G-A.
Other names: c.1741G>A, p.Gly581Arg (NM_001406799.1, NM_001406806.1, NM_001406807.1); c.2266G>A, p.Gly756Arg (NM_001406800.1, NM_001406803.1, NM_001406808.1 and 3 more transcripts); c.1969G>A, p.Gly657Arg (NM_001406801.1, NM_001406805.1, NM_001406820.1 and 10 more transcripts); c.2362G>A, p.Gly788Arg (NM_001406802.1, NM_001406795.1); c.2188G>A, p.Gly730Arg (NM_001406804.1); c.1360G>A, p.Gly454Arg (NM_001406823.1, NM_001406829.1, NM_001281493.2 and 6 more transcripts); c.2098G>A, p.Gly700Arg (NM_001406826.1); c.1606+660G>A (NM_001406817.1); and 3 more; short protein forms G581R, G730R, G758R, G657R, G756R, G626R, G454R, G700R.
Identifiers: ClinVar variation 3669381 (VCV003669381.2).